The following is an entry in ClinVar:

ClinVar aggregate classification (germline): Uncertain significance (1 of 4 stars; one submission).

Conditions:
MED13L-related disorder. Also called: MED13L-related condition.

Allele frequency attached by ClinVar (database versions not stated): gnomAD exomes below 0.00001; TOPMed below 0.00001; gnomAD 0.00001.
gnomAD v4.1: 2 of 1,613,944 alleles (0.00012%); highest among the groups gnomAD compares: African/African-American, 0.0013%; no homozygotes.

Submission:

PreventionGenetics, part of Exact Sciences
Classification: Uncertain significance for MED13L-related condition. Last evaluated: 2023-08-28. Review status: criteria provided, single submitter. Criteria: ACMG Guidelines, 2015. Collection method: clinical testing. Allele origin: germline.
Comment: The MED13L c.1823T>C variant is predicted to result in the amino acid substitution p.Leu608Pro. To our knowledge, this variant has not been reported in the literature or in a large population database, indicating this variant is rare. At this time, the clinical significance of this variant is uncertain due to the absence of conclusive functional and genetic evidence.

NM_015335.5(MED13L):c.1823T>C (p.Leu608Pro)

Gene: MED13L (mediator complex subunit 13L; minus strand). Cytogenetic location: 12q24.21.
Variant type: single nucleotide variant.
Coding change: c.1823T>C on transcript NM_015335.5 (MANE Select); coding-DNA position 1823, T replaced by C.
Protein change: p.Leu608Pro; replaces leucine 608 with proline.
Molecular consequence: missense variant.
Genome position (GRCh38, 1-based): chr12:116,008,590, A>G on the plus strand (T>C on the coding strand, the complement: MED13L is on the minus strand). VCF-style: chr12-116008590-A-G. GRCh37 (hg19) VCF-style: chr12-116446395-A-G.
Other names: short protein forms L608P.
Identifiers: ClinVar variation 2631028 (VCV002631028.1), dbSNP rs1243886147, ClinGen allele CA386895494.